The following is an entry in ClinVar:

NM_001165963.4(SCN1A):c.938_941del (p.Asp313fs)

Gene: SCN1A (sodium voltage-gated channel alpha subunit 1; minus strand). Cytogenetic location: 2q24.3.
Variant type: Deletion.
Coding change: c.938_941del on transcript NM_001165963.4 (MANE Select); coding-DNA positions 938 to 941, 4 bases deleted (ACTG; older notation c.938_941delACTG).
Protein change: p.Asp313fs; shifts the reading frame from aspartic acid 313.
Molecular consequence: frameshift variant. On other transcripts: 5 prime UTR variant (1), non-coding transcript variant (1).
Genome position (GRCh38, 1-based): chr2:166,051,742-166,051,745, CAGT deleted on the plus strand (ACTG on the coding strand, the reverse complement: SCN1A is on the minus strand); deleting any 4 consecutive bases within chr2:166,051,742-166,051,747 gives the same sequence; the c. name uses the placement nearest the transcript's 3' end. VCF-style (leftmost placement, unchanged base first): chr2-166051741-CCAGT-C. GRCh37 (hg19) VCF-style: chr2-166908251-CCAGT-C.
Other names: c.938_941del, p.Asp313fs (NM_001165964.3, NM_001202435.3, NM_001353948.2 and 10 more transcripts); c.-1488_-1485del (NM_001353961.2); short protein forms D313fs.
Identifiers: ClinVar variation 461285 (VCV000461285.7), dbSNP rs1553549483, ClinGen allele CA658657113.

ClinVar aggregate classification (germline): Pathogenic (1 of 4 stars; one submission).

Conditions:
Early-infantile DEE. Also called: Early infantile epileptic encephalopathy; Ohtahara syndrome; Early infantile epileptic encephalopathy with suppression bursts. Identifiers: Orphanet 1934, MedGen C0393706, MONDO:0800491.

Submission:

Labcorp Genetics (formerly Invitae), Labcorp
Classification: Pathogenic for Early-infantile DEE. Last evaluated: 2021-08-06. Review status: criteria provided, single submitter. Criteria: Invitae Variant Classification Sherloc (09022015). Collection method: clinical testing. Allele origin: germline.
Comment: For these reasons, this variant has been classified as Pathogenic. This variant has not been reported in the literature in individuals affected with SCN1A-related conditions. This variant is not present in population databases (ExAC no frequency). This sequence change creates a premature translational stop signal (p.Asp313Glyfs*18) in the SCN1A gene. It is expected to result in an absent or disrupted protein product. Loss-of-function variants in SCN1A are known to be pathogenic (PMID: 17347258, 18930999).

Literature cited by the submitters: PubMed 17347258; PubMed 18930999.